The following is an entry in ClinVar:

ClinVar aggregate classification (germline): Uncertain significance. Review status: criteria provided, multiple submitters, no conflicts (2 of 4 stars). 2 submissions from 2 submitters: Uncertain significance (2). Last evaluated 2025-07-01.

Conditions:
Inborn genetic diseases. Identifiers: MedGen C0950123, MeSH D030342.
Charcot-Marie-Tooth disease type 4. Also called: Charcot-Marie-Tooth disease, type IV; Charcot-Marie-Tooth, Type 4. Identifiers: Orphanet 64749, MedGen C4082197, MONDO:0018995.

Allele frequency attached by ClinVar (database versions not stated): gnomAD 0.00001; gnomAD exomes below 0.00001; ExAC 0.00001; TOPMed 0.00002.
gnomAD v4.1: 5 of 1,613,976 alleles (0.00031%); highest among the groups gnomAD compares: Non-Finnish European, 0.00034%; no homozygotes.

Submissions (2):

Ambry Genetics
Classification: Uncertain significance for Inborn genetic diseases. Last evaluated: 2025-07-01. Review status: criteria provided, single submitter. Criteria: Ambry Variant Classification Scheme 2023. Collection method: clinical testing. Allele origin: germline.

Labcorp Genetics (formerly Invitae), Labcorp
Classification: Uncertain significance for Charcot-Marie-Tooth disease type 4. Last evaluated: 2022-07-16. Review status: criteria provided, single submitter. Criteria: Invitae Variant Classification Sherloc (09022015). Collection method: clinical testing. Allele origin: germline.
Comment: This variant is present in population databases (rs762828462, gnomAD 0.003%). This variant has not been reported in the literature in individuals affected with MTMR2-related conditions. Advanced modeling of protein sequence and biophysical properties (such as structural, functional, and spatial information, amino acid conservation, physicochemical variation, residue mobility, and thermodynamic stability) performed at Invitae indicates that this missense variant is not expected to disrupt MTMR2 protein function. In summary, the available evidence is currently insufficient to determine the role of this variant in disease. Therefore, it has been classified as a Variant of Uncertain Significance. This sequence change replaces isoleucine, which is neutral and non-polar, with phenylalanine, which is neutral and non-polar, at codon 316 of the MTMR2 protein (p.Ile316Phe).

NM_016156.6(MTMR2):c.946A>T (p.Ile316Phe)

Gene: MTMR2 (myotubularin related protein 2; minus strand). Cytogenetic location: 11q21.
Variant type: single nucleotide variant.
Coding change: c.946A>T on transcript NM_016156.6 (MANE Select); coding-DNA position 946, A replaced by T.
Protein change: p.Ile316Phe; replaces isoleucine 316 with phenylalanine.
Molecular consequence: missense variant.
Genome position (GRCh38, 1-based): chr11:95,849,721, T>A on the plus strand (A>T on the coding strand, the complement: MTMR2 is on the minus strand). VCF-style: chr11-95849721-T-A. GRCh37 (hg19) VCF-style: chr11-95582885-T-A.
Other names: c.730A>T, p.Ile244Phe (NM_201278.3, NM_201281.3, NM_001243571.2); short protein forms I244F, I316F.
Identifiers: ClinVar variation 2078026 (VCV002078026.5), dbSNP rs762828462, ClinGen allele CA6240171.
Genomic context (GRCh38, chr11:95,849,721, plus strand): 5'-GAGACCATCTGACCTTGTTGGCAACAGCATTAACACTTGGCCGGGCATCAAATATAAAGA[T>A]TTTGTGAGACTGGGCATTGGAATCCATGATAGCTTGAAGGTATTTTTCATCTTCTTTGCT-3'
Protein context (NP_057240.3, residues 306-326): IMDSNAQSHK[Ile316Phe]FIFDARPSVN